The following is an entry in ClinVar:

NM_000256.3(MYBPC3):c.1554G>A (p.Met518Ile)

Gene: MYBPC3 (myosin binding protein C3; minus strand). Cytogenetic location: 11p11.2.
Variant type: single nucleotide variant.
Coding change: c.1554G>A on transcript NM_000256.3 (MANE Select); coding-DNA position 1554, G replaced by A.
Protein change: p.Met518Ile; replaces methionine 518 with isoleucine.
Molecular consequence: missense variant.
Genome position (GRCh38, 1-based): chr11:47,342,648, C>T on the plus strand (G>A on the coding strand, the complement: MYBPC3 is on the minus strand). VCF-style: chr11-47342648-C-T. GRCh37 (hg19) VCF-style: chr11-47364199-C-T.
Other names: short protein forms M518I.
Identifiers: ClinVar variation 919544 (VCV000919544.10), dbSNP rs372499440, ClinGen allele CA078165.

ClinVar aggregate classification (germline): Conflicting classifications of pathogenicity. Review status: criteria provided, conflicting classifications (1 of 4 stars). 4 submissions from 4 submitters: Uncertain significance (3); Likely benign (1). Last evaluated 2025-08-13.

Conditions:
Cardiomyopathy (CMYO). Also called: Cardiomyopathies. Identifiers: Orphanet 167848, MedGen C0878544, MONDO:0004994, HP:0001638. Inheritance: Various modes of inheritance.
Cardiovascular phenotype. Identifiers: MedGen CN230736.
Hypertrophic cardiomyopathy. Also called: HYPERTROPHIC MYOCARDIOPATHY. Identifiers: Orphanet 217569, MedGen C0007194, MeSH D002312, MONDO:0005045, HP:0001639.

Allele frequency attached by ClinVar (database versions not stated): gnomAD exomes below 0.00001 and 0.00001; TOPMed below 0.00001; gnomAD 0.00001; ExAC 0.00002; ESP Exome Variant Server 0.00008.
gnomAD v4.1: 4 of 1,613,908 alleles (0.00025%); highest among the groups gnomAD compares: Non-Finnish European, 0.00034%; no homozygotes.

Submissions (4):

Ambry Genetics
Classification: Likely benign for Cardiovascular phenotype. Last evaluated: 2025-08-13. Review status: criteria provided, single submitter. Criteria: Ambry Variant Classification Scheme 2023. Collection method: clinical testing. Allele origin: germline.

All of Us Research Program, National Institutes of Health
Classification: Uncertain significance for Hypertrophic cardiomyopathy. Last evaluated: 2024-04-25. Review status: criteria provided, single submitter. Criteria: ACMG Guidelines, 2015. Collection method: clinical testing. Allele origin: germline. Inheritance: Autosomal dominant inheritance. Observed: 6 variant alleles, 6 heterozygotes.
Comment: This missense variant replaces methionine with isoleucine at codon 518 of the MYBPC3 protein. Computational prediction tools and conservation analyses are inconclusive regarding the impact of this variant on protein function. Computational splicing tools suggest that this variant may not impact RNA splicing. To our knowledge, functional assays have not been performed for this variant nor has this variant been reported in individuals affected with cardiovascular disorders in the literature. This variant has been identified in 3/280606 chromosomes in the general population by the Genome Aggregation Database (gnomAD). Available evidence is insufficient to determine the role of this variant in disease conclusively. Therefore, this variant is classified as a Variant of Uncertain Significance.

This study involves interpretation of variants in research participants for the purpose of population health screening. Participant phenotype was not available at the time of variant classification. Additional details can be found in publication PMID: 35346344, PMCID: PMC8962531

Color Diagnostics, LLC DBA Color Health
Classification: Uncertain significance for Cardiomyopathy. Last evaluated: 2024-04-05. Review status: criteria provided, single submitter. Criteria: ACMG Guidelines, 2015. Collection method: clinical testing. Allele origin: germline.
Comment: This missense variant replaces methionine with isoleucine at codon 518 of the MYBPC3 protein. Computational prediction tools indicate that this variant has a neutral impact on protein structure and function. To our knowledge, functional studies have not been reported for this variant. This variant has not been reported in individuals affected with MYBPC3-related disorders in the literature. This variant has been identified in 3/280606 chromosomes in the general population by the Genome Aggregation Database (gnomAD). The available evidence is insufficient to determine the role of this variant in disease conclusively. Therefore, this variant is classified as a Variant of Uncertain Significance.

Labcorp Genetics (formerly Invitae), Labcorp
Classification: Uncertain significance for Hypertrophic cardiomyopathy. Last evaluated: 2023-11-08. Review status: criteria provided, single submitter. Criteria: Invitae Variant Classification Sherloc (09022015). Collection method: clinical testing. Allele origin: germline.
Comment: This sequence change replaces methionine, which is neutral and non-polar, with isoleucine, which is neutral and non-polar, at codon 518 of the MYBPC3 protein (p.Met518Ile). This variant is present in population databases (rs372499440, gnomAD 0.002%). This variant has not been reported in the literature in individuals affected with MYBPC3-related conditions. ClinVar contains an entry for this variant (Variation ID: 919544). An algorithm developed to predict the effect of missense changes on protein structure and function (PolyPhen-2) suggests that this variant is likely to be tolerated. In summary, the available evidence is currently insufficient to determine the role of this variant in disease. Therefore, it has been classified as a Variant of Uncertain Significance.